The following is an entry in ClinVar:

NM_006282.5(STK4):c.340A>G (p.Ile114Val)

Gene: STK4 (serine/threonine kinase 4; plus strand). Cytogenetic location: 20q13.12.
Variant type: single nucleotide variant.
Coding change: c.340A>G on transcript NM_006282.5 (MANE Select); coding-DNA position 340, A replaced by G.
Protein change: p.Ile114Val; replaces isoleucine 114 with valine.
Molecular consequence: missense variant.
Genome position (GRCh38, 1-based): chr20:44,981,923, A>G. VCF-style: chr20-44981923-A-G. GRCh37 (hg19) VCF-style: chr20-43610564-A-G.
Other names: c.340A>G, p.Ile114Val (NM_001352385.2); short protein forms I114V.
Identifiers: ClinVar variation 1381506 (VCV001381506.6), dbSNP rs2145653234, ClinGen allele CA409149164.
Genomic context (GRCh38, chr20:44,981,923, plus strand): 5'-AAGAACACAGACTTATGGATCGTTATGGAGTACTGTGGGGCTGGTTCTGTATCTGATATC[A>G]TTCGATTACGAAATAAAACGGTAGGTTTACCTTCTAGAACATGCAACTGAGCTAGTTTCT-3'
Protein context (NP_006273.1, residues 104-124): YCGAGSVSDI[Ile114Val]RLRNKTLTED

ClinVar aggregate classification (germline): Uncertain significance (1 of 4 stars; one submission).

Conditions:
Combined immunodeficiency due to STK4 deficiency (IMD110). Also called: STK4 DEFICIENCY; MST1 DEFICIENCY; T-cell immunodeficiency, recurrent infections, and autoimmunity with or without cardiac malformations. Identifiers: Orphanet 314689, MedGen C3553943, MONDO:0013934, OMIM 614868.

gnomAD v4.1: 1 of 1,613,412 alleles (0.000062%); no homozygotes.

Submission:

Labcorp Genetics (formerly Invitae), Labcorp
Classification: Uncertain significance for Combined immunodeficiency due to STK4 deficiency. Last evaluated: 2021-09-15. Review status: criteria provided, single submitter. Criteria: Invitae Variant Classification Sherloc (09022015). Collection method: clinical testing. Allele origin: germline.
Comment: In summary, the available evidence is currently insufficient to determine the role of this variant in disease. Therefore, it has been classified as a Variant of Uncertain Significance. Advanced modeling of protein sequence and biophysical properties (such as structural, functional, and spatial information, amino acid conservation, physicochemical variation, residue mobility, and thermodynamic stability) performed at Invitae indicates that this missense variant is not expected to disrupt STK4 protein function. This variant has not been reported in the literature in individuals affected with STK4-related conditions. This variant is not present in population databases (ExAC no frequency). This sequence change replaces isoleucine with valine at codon 114 of the STK4 protein (p.Ile114Val). The isoleucine residue is moderately conserved and there is a small physicochemical difference between isoleucine and valine.